The following is an entry in ClinVar:

ClinVar aggregate classification (germline): Uncertain significance (1 of 4 stars; one submission).

Conditions:
Charcot-Marie-Tooth disease type 2. Also called: Charcot-Marie-Tooth type 2. Identifiers: Orphanet 64746, MedGen C0270914, MONDO:0018993.

Submission:

Labcorp Genetics (formerly Invitae), Labcorp
Classification: Uncertain significance for Charcot-Marie-Tooth disease type 2. Last evaluated: 2024-05-21. Review status: criteria provided, single submitter. Criteria: Invitae Variant Classification Sherloc (09022015). Collection method: clinical testing. Allele origin: germline.
Comment: This sequence change replaces glutamine, which is neutral and polar, with histidine, which is basic and polar, at codon 323 of the BSCL2 protein (p.Gln323His). This variant is not present in population databases (gnomAD no frequency). This variant has not been reported in the literature in individuals affected with BSCL2-related conditions. Advanced modeling of protein sequence and biophysical properties (such as structural, functional, and spatial information, amino acid conservation, physicochemical variation, residue mobility, and thermodynamic stability) performed at Invitae indicates that this missense variant is not expected to disrupt BSCL2 protein function with a negative predictive value of 80%. In summary, the available evidence is currently insufficient to determine the role of this variant in disease. Therefore, it has been classified as a Variant of Uncertain Significance.

NM_001122955.4(BSCL2):c.1161G>C (p.Gln387His)

Genes: BSCL2 (BSCL2 lipid droplet biogenesis associated, seipin; minus strand), HNRNPUL2-BSCL2 (HNRNPUL2-BSCL2 readthrough (NMD candidate); minus strand). Cytogenetic location: 11q12.3.
Variant type: single nucleotide variant.
Coding change: c.1161G>C on transcript NM_001122955.4 (MANE Select); coding-DNA position 1161, G replaced by C.
Protein change: p.Gln387His; replaces glutamine 387 with histidine.
Molecular consequence: missense variant. On other transcripts: non-coding transcript variant (1).
Genome position (GRCh38, 1-based): chr11:62,690,685, C>G on the plus strand (G>C on the coding strand, the complement: BSCL2 is on the minus strand). VCF-style: chr11-62690685-C-G. GRCh37 (hg19) VCF-style: chr11-62458157-C-G.
Other names: c.1167G>C, p.Gln389His (NM_001386027.1); c.1161G>C, p.Gln387His (NM_001386028.1); c.969G>C, p.Gln323His (NM_032667.6); c.827G>C, p.Ser276Thr (NM_001130702.2); short protein forms Q323H, Q387H, Q389H, S276T.
Identifiers: ClinVar variation 3614641 (VCV003614641.2).